The following is an entry in ClinVar:

ClinVar aggregate classification (germline): Benign. Review status: criteria provided, multiple submitters, no conflicts (2 of 4 stars). 14 submissions from 12 submitters: Benign (11). 3 of the submissions do not count toward it. Last evaluated 2026-02-04.

Conditions:
Brain small vessel disease 1 with or without ocular anomalies (BSVD1). Also called: BRAIN SMALL VESSEL DISEASE WITH HEMORRHAGE; PORENCEPHALY, TYPE 1, AUTOSOMAL DOMINANT; GOULD SYNDROME 1; Brain small vessel disease with or without ocular anomalies. Identifiers: Orphanet 2940, Orphanet 36383, Orphanet 99810, MedGen C4755307, MONDO:0008289, OMIM 175780.
Autosomal dominant familial hematuria-retinal arteriolar tortuosity-contractures syndrome. Also called: Angiopathy, hereditary, with nephropathy, aneurysms, and muscle cramps; Hereditary Angiopathy with Nephropathy, Aneurysms, and Muscle Cramps (HANAC) Syndrome. Identifiers: Orphanet 73229, MedGen C2673195, MONDO:0012726, OMIM 611773.

Allele frequency attached by ClinVar (database versions not stated): TOPMed 0.56562; ESP Exome Variant Server 0.57012; gnomAD 0.57082 and 0.57696; 1000 Genomes Project 30x 0.58635; 1000 Genomes Project 0.59645; gnomAD exomes 0.62171 and 0.63851; ExAC 0.62224.
gnomAD v4.1: 1,019,449 of 1,610,452 alleles (63%); highest among the groups gnomAD compares: East Asian, 77%; 326,580 homozygotes.

Submissions (14):

Labcorp Genetics (formerly Invitae), Labcorp
Classification: Benign. Last evaluated: 2026-02-04. Review status: criteria provided, single submitter. Criteria: Invitae Variant Classification Sherloc (09022015). Collection method: clinical testing. Allele origin: germline.

Blueprint Genetics
Classification: Benign. Last evaluated: 2024-11-27. Review status: criteria provided, single submitter. Criteria: ACMG Guidelines, 2015. Collection method: clinical testing. Allele origin: germline.

Mayo Clinic Laboratories, Mayo Clinic
Classification: Benign. Last evaluated: 2022-04-26. Review status: criteria provided, single submitter. Criteria: ACMG Guidelines, 2015. Collection method: clinical testing. Allele origin: germline. Observed: 984 variant alleles.

Genome-Nilou Lab
Classification: Benign for Autosomal dominant familial hematuria-retinal arteriolar tortuosity-contractures syndrome. Last evaluated: 2021-07-22. Review status: criteria provided, single submitter. Criteria: ACMG Guidelines, 2015. Collection method: clinical testing. Allele origin: germline. Affected: no.

Genome-Nilou Lab
Classification: Benign for Brain small vessel disease 1 with or without ocular anomalies. Last evaluated: 2021-07-22. Review status: criteria provided, single submitter. Criteria: ACMG Guidelines, 2015. Collection method: clinical testing. Allele origin: germline. Affected: no.

Athena Diagnostics
Classification: Benign. Last evaluated: 2021-06-02. Review status: criteria provided, single submitter. Criteria: Athena Diagnostics criteria. Collection method: clinical testing. Allele origin: unknown.

Illumina Laboratory Services, Illumina
Classification: Benign for Brain small vessel disease 1 with or without ocular anomalies. Last evaluated: 2018-01-13. Review status: criteria provided, single submitter. Criteria: ICSL Variant Classification Criteria 13 December 2019. Collection method: clinical testing. Allele origin: germline.
Comment: This variant was observed in the ICSL laboratory as part of a predisposition screen in an ostensibly healthy population. It had not been previously curated by ICSL or reported in the Human Gene Mutation Database (HGMD: prior to June 1st, 2018), and was therefore a candidate for classification through an automated scoring system. Utilizing variant allele frequency, disease prevalence and penetrance estimates, and inheritance mode, an automated score was calculated to assess if this variant is too frequent to cause the disease. Based on the score and internal cut-off values, a variant classified as benign is not then subjected to further curation. The score for this variant resulted in a classification of benign for this disease.

Illumina Laboratory Services, Illumina
Classification: Benign for Autosomal dominant familial hematuria-retinal arteriolar tortuosity-contractures syndrome. Last evaluated: 2018-01-13. Review status: criteria provided, single submitter. Criteria: ICSL Variant Classification Criteria 13 December 2019. Collection method: clinical testing. Allele origin: germline.
Comment: the same text as in the submission from Illumina Laboratory Services, Illumina above.

GeneDx
Classification: Benign. Last evaluated: 2017-07-19. Review status: criteria provided, single submitter. Criteria: GeneDx Variant Classification (06012015). Collection method: clinical testing. Allele origin: germline. Affected: yes.
Comment: This variant is considered likely benign or benign based on one or more of the following criteria: it is a conservative change, it occurs at a poorly conserved position in the protein, it is predicted to be benign by multiple in silico algorithms, and/or has population frequency not consistent with disease.

Breakthrough Genomics
Classification: Benign. Review status: criteria provided, single submitter. Criteria: ACMG Guidelines, 2015. Collection method: not provided. Allele origin: germline. Inheritance: Autosomal dominant inheritance. Affected: yes.

PreventionGenetics, part of Exact Sciences
Classification: Benign. Review status: criteria provided, single submitter. Criteria: ACMG Guidelines, 2015. Collection method: clinical testing. Allele origin: germline.

Clinical Genetics DNA and cytogenetics Diagnostics Lab, Erasmus MC, Erasmus Medical Center
Classification: Benign. Review status: no assertion criteria provided. Collection method: clinical testing. Allele origin: germline. Affected: yes. Study: VKGL Data-share Consensus. Not counted in ClinVar's aggregate classification.

Diagnostic Laboratory, Department of Genetics, University Medical Center Groningen
Classification: Benign. Review status: no assertion criteria provided. Collection method: clinical testing. Allele origin: germline. Affected: yes. Study: VKGL Data-share Consensus. Not counted in ClinVar's aggregate classification.

Joint Genome Diagnostic Labs from Nijmegen and Maastricht, Radboudumc and MUMC+
Classification: Benign. Review status: no assertion criteria provided. Collection method: clinical testing. Allele origin: germline. Affected: yes. Study: VKGL Data-share Consensus. Not counted in ClinVar's aggregate classification.

NM_001845.6(COL4A1):c.859-10T>C

Gene: COL4A1 (collagen type IV alpha 1 chain; minus strand). Cytogenetic location: 13q34.
Variant type: single nucleotide variant.
Coding change: c.859-10T>C on transcript NM_001845.6 (MANE Select); 10 bases into the intron before coding-DNA position 859, T replaced by C.
Molecular consequence: intron variant.
Genome position (GRCh38, 1-based): chr13:110,205,548, A>G on the plus strand (T>C on the coding strand, the complement: COL4A1 is on the minus strand). VCF-style: chr13-110205548-A-G. GRCh37 (hg19) VCF-style: chr13-110857895-A-G.
Other names: p.?; c.859-10T>C (NM_001303110.2).
Identifiers: ClinVar variation 258265 (VCV000258265.30), dbSNP rs677877, ClinGen allele CA7048273.